The following is an entry in ClinVar:

ClinVar aggregate classification (germline): Conflicting classifications of pathogenicity. Review status: criteria provided, conflicting classifications (1 of 4 stars). 2 submissions from 2 submitters: Pathogenic (1); Uncertain significance (1). Last evaluated 2025-10-01.

Conditions:
Smith-Lemli-Opitz syndrome (SLOS). Also called: LETHAL ACRODYSGENITAL SYNDROME; POLYDACTYLY, SEX REVERSAL, RENAL HYPOPLASIA, AND UNILOBAR LUNG; RSH SYNDROME; RUTLEDGE LETHAL MULTIPLE CONGENITAL ANOMALY SYNDROME; 7-Dehydrocholesterol reductase deficiency. Identifiers: Orphanet 818, MedGen C0175694, MONDO:0010035, OMIM 270400.

Submissions (2):

Women's Health and Genetics/Laboratory Corporation of America, LabCorp
Classification: Uncertain significance. Last evaluated: 2025-10-01. Review status: criteria provided, single submitter. Criteria: LabCorp Variant Classification Summary - May 2015. Collection method: clinical testing. Allele origin: germline.
Comment: Variant summary: DHCR7 c.818T>G (p.Val273Gly) results in a non-conservative amino acid change in the encoded protein sequence. Algorithms developed to predict the effect of missense changes on protein structure and function all suggest that this variant is likely to be disruptive. The variant was absent in 251118 control chromosomes. The available data on variant occurrences in the general population are insufficient to allow any conclusion about variant significance. c.818T>G has been reported in the literature in individuals affected with Smith-Lemli-Opitz Syndrome (Witsch-Baumgartner_2005). These data do not allow any conclusion about variant significance. To our knowledge, no experimental evidence demonstrating an impact on protein function has been reported. The following publications have been ascertained in the context of this evaluation (PMID: 22211794, 15776424). ClinVar contains an entry for this variant (Variation ID: 2137191). Based on the evidence outlined above, the variant was classified as uncertain significance.

Labcorp Genetics (formerly Invitae), Labcorp
Classification: Pathogenic for Smith-Lemli-Opitz syndrome. Last evaluated: 2023-02-06. Review status: criteria provided, single submitter. Criteria: Invitae Variant Classification Sherloc (09022015). Collection method: clinical testing. Allele origin: germline.
Comment: This sequence change replaces valine, which is neutral and non-polar, with glycine, which is neutral and non-polar, at codon 273 of the DHCR7 protein (p.Val273Gly). This variant is not present in population databases (gnomAD no frequency). This missense change has been observed in individual(s) with Smith-Lemli-Opitz syndrome (PMID: 15776424). In at least one individual the data is consistent with being in trans (on the opposite chromosome) from a pathogenic variant. Advanced modeling of protein sequence and biophysical properties (such as structural, functional, and spatial information, amino acid conservation, physicochemical variation, residue mobility, and thermodynamic stability) performed at Invitae indicates that this missense variant is expected to disrupt DHCR7 protein function. For these reasons, this variant has been classified as Pathogenic.

Literature cited by the submitters: PubMed 15776424 (cited by Women's Health and Genetics/Laboratory Corporation of America, LabCorp and Labcorp Genetics (formerly Invitae), Labcorp); PubMed 23042628 (cited by Women's Health and Genetics/Laboratory Corporation of America, LabCorp); PubMed 22211794 (cited by Women's Health and Genetics/Laboratory Corporation of America, LabCorp); PubMed 27401223 (cited by Women's Health and Genetics/Laboratory Corporation of America, LabCorp); PubMed 16207203 (cited by Women's Health and Genetics/Laboratory Corporation of America, LabCorp); PubMed 25734025 (cited by Women's Health and Genetics/Laboratory Corporation of America, LabCorp); PubMed 28503313 (cited by Women's Health and Genetics/Laboratory Corporation of America, LabCorp); PubMed 39119449 (cited by Women's Health and Genetics/Laboratory Corporation of America, LabCorp).

NM_001360.3(DHCR7):c.818T>G (p.Val273Gly)

Gene: DHCR7 (7-dehydrocholesterol reductase; minus strand). Cytogenetic location: 11q13.4.
Variant type: single nucleotide variant.
Coding change: c.818T>G on transcript NM_001360.3 (MANE Select); coding-DNA position 818, T replaced by G.
Protein change: p.Val273Gly; replaces valine 273 with glycine.
Molecular consequence: missense variant.
Genome position (GRCh38, 1-based): chr11:71,438,892, A>C on the plus strand (T>G on the coding strand, the complement: DHCR7 is on the minus strand). VCF-style: chr11-71438892-A-C. GRCh37 (hg19) VCF-style: chr11-71149938-A-C.
Other names: c.818T>G, p.Val273Gly (NM_001163817.2); short protein forms V273G.
Identifiers: ClinVar variation 2137191 (VCV002137191.7), dbSNP rs2539220754, ClinGen allele CA381703209.
Genomic context (GRCh38, chr11:71,438,892, plus strand): 5'-GAGCCTGCCGGCATCGGCGTTTCACCCTCTCCAGCCATGACAGGCACCTGCAGGACGTTG[A>C]CCAGGACCATGGCATTGGTCACATGGCTGTGGAGCTCCCGCTGCTTCGCTGCGAAGGACA-3'
Protein context (NP_001351.2, residues 263-283): HSHVTNAMVL[Val273Gly]NVLQAIYVID